The following is an entry in ClinVar:

ClinVar aggregate classification (germline): Likely pathogenic (1 of 4 stars; one submission).

Conditions:
Multiple endocrine neoplasia, type 1 (MEN1). Also called: MEA I; MEN I; WERMER SYNDROME; Endocrine adenomatosis multiple; MEN 1. Identifiers: Orphanet 652, MedGen C0025267, MeSH D018761, MONDO:0007540, OMIM 131100.

Submission:

Women's Health and Genetics/Laboratory Corporation of America, LabCorp
Classification: Likely pathogenic for Multiple endocrine neoplasia, type 1. Last evaluated: 2020-01-08. Review status: criteria provided, single submitter. Criteria: LabCorp Variant Classification Summary - May 2015. Collection method: clinical testing. Allele origin: germline.
Comment: Variant summary: MEN1 c.1564dupG (p.Val522GlyfsX9) results in a premature termination codon, predicted to cause a truncation of the encoded protein or absence of the protein due to nonsense mediated decay, which are commonly known mechanisms for disease. Truncations downstream of this position have been classified as pathogenic by our laboratory. The variant was absent in 245784 control chromosomes (gnomAD). To our knowledge, no occurrence of c.1564dupG in individuals affected with Multiple Endocrine Neoplasia Type 1 and no experimental evidence demonstrating its impact on protein function have been reported. No clinical diagnostic laboratories have submitted clinical-significance assessments for this variant to ClinVar after 2014. Based on the evidence outlined above, the variant was classified as likely pathogenic.

NM_001370259.2(MEN1):c.1564dup (p.Val522fs)

Gene: MEN1 (menin 1; minus strand). Cytogenetic location: 11q13.1.
Variant type: Duplication.
Coding change: c.1564dup on transcript NM_001370259.2 (MANE Select); coding-DNA position 1564, one base duplicated (G; older notation c.1564dupG).
Protein change: p.Val522fs; shifts the reading frame from valine 522.
Molecular consequence: frameshift variant.
Genome position (GRCh38, 1-based): chr11:64,804,603, C duplicated on the plus strand (G on the coding strand, the reverse complement: MEN1 is on the minus strand). VCF-style (leftmost placement, unchanged base first): chr11-64804602-A-AC. GRCh37 (hg19) VCF-style: chr11-64572074-A-AC.
Other names: c.1564dupG (NM_130799.2); c.1579dup, p.Val527fs (NM_000244.4, NM_130800.3, NM_130801.3 and 3 more transcripts); c.1690dup, p.Val564fs (NM_001370251.2); c.1564dup, p.Val522fs (NM_001370260.2, NM_001370261.2, NM_130799.3); c.1459dup, p.Val487fs (NM_001370262.2, NM_001370263.2); short protein forms V487fs, V522fs, V527fs, V564fs.
Identifiers: ClinVar variation 917639 (VCV000917639.2), dbSNP rs1941522995, ClinGen allele CA1139661993.
Genomic context (GRCh38, chr11:64,804,602, plus strand): 5'-GCTGTGGGTGCTGGCACCTGAGCCGTGCTGCCACCTTCAGGGCCTCGGGCTGTGCCAGCG[A>AC]CAGTCCCAGGAGGCTTCCGGGGGGGTCCTGACACTGCACCCTGGCCGGTGCCCAGGCCCT-3'